The following is an entry in ClinVar:

NM_005585.5(SMAD6):c.44G>A (p.Arg15Gln)

Gene: SMAD6 (SMAD family member 6; plus strand). Cytogenetic location: 15q22.31.
Variant type: single nucleotide variant.
Coding change: c.44G>A on transcript NM_005585.5 (MANE Select); coding-DNA position 44, G replaced by A.
Protein change: p.Arg15Gln; replaces arginine 15 with glutamine.
Molecular consequence: missense variant. On other transcripts: non-coding transcript variant (1).
Genome position (GRCh38, 1-based): chr15:66,703,302, G>A. VCF-style: chr15-66703302-G-A. GRCh37 (hg19) VCF-style: chr15-66995640-G-A.
Other names: short protein forms R15Q.
Identifiers: ClinVar variation 5029768 (VCV005029768.1).

ClinVar aggregate classification (germline): Uncertain significance (1 of 4 stars; one submission).

Conditions:
Inborn genetic diseases. Identifiers: MedGen C0950123, MeSH D030342.

gnomAD v4.1: 2 of 1,492,678 alleles (0.00013%); highest among the groups gnomAD compares: African/African-American, 0.0015%; no homozygotes.

Submission:

Ambry Genetics
Classification: Uncertain significance for Inborn genetic diseases. Last evaluated: 2026-06-15. Review status: criteria provided, single submitter. Criteria: Ambry Variant Classification Scheme 2023. Collection method: clinical testing. Allele origin: germline.
Comment: The p.R15Q variant (also known as c.44G>A), located in coding exon 1 of the SMAD6 gene, results from a G to A substitution at nucleotide position 44. The arginine at codon 15 is replaced by glutamine, an amino acid with highly similar properties. This amino acid position is conserved. In addition, the in silico prediction for this alteration is inconclusive. Based on the available evidence, the clinical significance of this variant remains unclear.